The following is an entry in ClinVar:

ClinVar aggregate classification (germline): Conflicting classifications of pathogenicity. Review status: criteria provided, conflicting classifications (1 of 4 stars). 6 submissions from 6 submitters: Uncertain significance (2); Likely benign (3). 1 of the submissions does not count toward it. Last evaluated 2026-01-24.

Conditions:
MYH14-related disorder. Also called: MYH14-related condition.
Inborn genetic diseases. Identifiers: MedGen C0950123, MeSH D030342.

Allele frequency attached by ClinVar (database versions not stated): gnomAD exomes 0.00009 and 0.00022; ExAC 0.00041; 1000 Genomes Project 30x 0.00094; ESP Exome Variant Server 0.00094; gnomAD 0.00094 and 0.00104; 1000 Genomes Project 0.00100; TOPMed 0.00104.
gnomAD v4.1: 275 of 1,605,852 alleles (0.017%); highest among the groups gnomAD compares: African/African-American, 0.34%; no homozygotes.

Submissions (6):

Labcorp Genetics (formerly Invitae), Labcorp
Classification: Likely benign. Last evaluated: 2026-01-24. Review status: criteria provided, single submitter. Criteria: Invitae Variant Classification Sherloc (09022015). Collection method: clinical testing. Allele origin: germline.

Women's Health and Genetics/Laboratory Corporation of America, LabCorp
Classification: Likely benign. Last evaluated: 2025-04-09. Review status: criteria provided, single submitter. Criteria: LabCorp Variant Classification Summary - May 2015. Collection method: clinical testing. Allele origin: germline.

Ambry Genetics
Classification: Uncertain significance for Inborn genetic diseases. Last evaluated: 2024-04-19. Review status: criteria provided, single submitter. Criteria: Ambry Variant Classification Scheme 2023. Collection method: clinical testing. Allele origin: germline.

Blueprint Genetics
Classification: Likely benign. Last evaluated: 2022-03-31. Review status: criteria provided, single submitter. Criteria: ACMG Guidelines, 2015. Collection method: clinical testing. Allele origin: germline.

Center for Pediatric Genomic Medicine, Children's Mercy Hospital and Clinics
Classification: Uncertain significance. Last evaluated: 2017-04-11. Review status: criteria provided, single submitter. Criteria: ACMG Guidelines, 2015. Collection method: clinical testing. Allele origin: germline.

PreventionGenetics, part of Exact Sciences
Classification: Likely benign for MYH14-related condition. Last evaluated: 2024-05-14. Review status: no assertion criteria provided. Collection method: clinical testing. Allele origin: germline. Not counted in ClinVar's aggregate classification.
Comment: This variant is classified as likely benign based on ACMG/AMP sequence variant interpretation guidelines (Richards et al. 2015 PMID: 25741868, with internal and published modifications).

NM_001145809.2(MYH14):c.4033G>A (p.Ala1345Thr)

Gene: MYH14 (myosin heavy chain 14; plus strand). Cytogenetic location: 19q13.33.
Variant type: single nucleotide variant.
Coding change: c.4033G>A on transcript NM_001145809.2 (MANE Select); coding-DNA position 4033, G replaced by A.
Protein change: p.Ala1345Thr; replaces alanine 1345 with threonine.
Molecular consequence: missense variant.
Genome position (GRCh38, 1-based): chr19:50,280,037, G>A. VCF-style: chr19-50280037-G-A. GRCh37 (hg19) VCF-style: chr19-50783294-G-A.
Other names: c.3934G>A, p.Ala1312Thr (NM_001077186.2); c.3910G>A, p.Ala1304Thr (NM_024729.4); c.4033G>A (NM_001145809.1); short protein forms A1345T, A1312T, A1304T.
Identifiers: ClinVar variation 445723 (VCV000445723.17), dbSNP rs148054042, ClinGen allele CA9593412.
Genomic context (GRCh38, chr19:50,280,037, plus strand): 5'-GATGGGGTCACTGGGTGGAAGCCACGATTGGAGGGCTTCATTCCCGTCCCTTCCCTGCAG[G>A]CTGAACTGGAGAATGTGTCTGGGGCGCTGAACGAGGCTGAGTCCAAAACCATCCGTCTTA-3'
Protein context (NP_001139281.1, residues 1335-1355): EAAEKLQRAQ[Ala1345Thr]ELENVSGALN